The following is an entry in ClinVar:

ClinVar aggregate classification (germline): Benign (1 of 4 stars; one submission).

Allele frequency attached by ClinVar (database versions not stated): 1000 Genomes Project 30x 0.49360; 1000 Genomes Project 0.49441; TOPMed 0.55726; gnomAD 0.57830 and 0.57847.
gnomAD v4.1: 87,929 of 151,790 alleles (58%); highest among the groups gnomAD compares: Non-Finnish European, 69%; 27,432 homozygotes.

Submission:

GeneDx
Classification: Benign. Last evaluated: 2018-06-19. Review status: criteria provided, single submitter. Criteria: GeneDx Variant Classification (06012015). Collection method: clinical testing. Allele origin: germline. Affected: yes.
Comment: This variant is considered likely benign or benign based on one or more of the following criteria: it is a conservative change, it occurs at a poorly conserved position in the protein, it is predicted to be benign by multiple in silico algorithms, and/or has population frequency not consistent with disease.

NM_032578.4(MYPN):c.3659+311T>C

Gene: MYPN (myopalladin; plus strand). Cytogenetic location: 10q21.3.
Variant type: single nucleotide variant.
Coding change: c.3659+311T>C on transcript NM_032578.4 (MANE Select); 311 bases into the intron after coding-DNA position 3659, T replaced by C.
Molecular consequence: intron variant.
Genome position (GRCh38, 1-based): chr10:68,202,305, T>C. VCF-style: chr10-68202305-T-C. GRCh37 (hg19) VCF-style: chr10-69962062-T-C.
Other names: c.3659+311T>C (NM_001256267.2); c.2777+311T>C (NM_001256268.2).
Identifiers: ClinVar variation 669011 (VCV000669011.1), dbSNP rs10998017, ClinGen allele CA13193351.